The following is an entry in ClinVar:

NM_000088.4(COL1A1):c.904-25T>A

Genes: COL1A1 (collagen type I alpha 1 chain; minus strand), LOC126862586 (CDK7 strongly-dependent group 2 enhancer GRCh37_chr17:48273702-48274901; plus strand). Cytogenetic location: 17q21.33.
Variant type: single nucleotide variant.
Coding change: c.904-25T>A on transcript NM_000088.4 (MANE Select); 25 bases into the intron before coding-DNA position 904, T replaced by A.
Molecular consequence: intron variant.
Genome position (GRCh38, 1-based): chr17:50,196,392, A>T on the plus strand (T>A on the coding strand, the complement: COL1A1 is on the minus strand). VCF-style: chr17-50196392-A-T. GRCh37 (hg19) VCF-style: chr17-48273753-A-T.
Identifiers: ClinVar variation 2683437 (VCV002683437.1), dbSNP rs2509235837, ClinGen allele CA2638677059.
Genomic context (GRCh38, chr17:50,196,392, plus strand): 5'-AGGGCGACCTCTCTCACCAGGCAGGCCACGGGGGCCCTGACAACCAAACCAAGAGAAGTC[A>T]GATGAGATGGGAGACAGCCTTGTTCCCCCAGGCCTCCATCTTGCCCCTGCCTCCTGCCCC-3'

ClinVar aggregate classification (germline): Uncertain significance (1 of 4 stars; one submission).

Allele frequency attached by ClinVar (database versions not stated): gnomAD exomes below 0.00001.
gnomAD v4.1: 5 of 1,614,084 alleles (0.00031%); highest among the groups gnomAD compares: Non-Finnish European, 0.00034%; no homozygotes.

Submission:

Mayo Clinic Laboratories, Mayo Clinic
Classification: Uncertain significance. Last evaluated: 2022-06-21. Review status: criteria provided, single submitter. Criteria: ACMG Guidelines, 2015. Collection method: clinical testing. Allele origin: germline. Observed: 1 variant allele.
Comment: PM2_supporting